The following is an entry in ClinVar:

NM_000038.6(APC):c.5174C>T (p.Ala1725Val)

Gene: APC (APC regulator of Wnt signaling pathway; plus strand). Cytogenetic location: 5q22.2.
Variant type: single nucleotide variant.
Coding change: c.5174C>T on transcript NM_000038.6 (MANE Select); coding-DNA position 5174, C replaced by T.
Protein change: p.Ala1725Val; replaces alanine 1725 with valine.
Molecular consequence: missense variant.
Genome position (GRCh38, 1-based): chr5:112,840,768, C>T. VCF-style: chr5-112840768-C-T. GRCh37 (hg19) VCF-style: chr5-112176465-C-T.
Other names: c.5174C>T (NM_000038.5); c.5174C>T, p.Ala1725Val (NM_001127510.3, NM_001354895.2, NM_001407450.1); c.5120C>T, p.Ala1707Val (NM_001127511.3); c.5228C>T, p.Ala1743Val (NM_001354896.2, NM_001407447.1, NM_001407448.1 and 1 more transcripts); c.5204C>T, p.Ala1735Val (NM_001354897.2); c.5099C>T, p.Ala1700Val (NM_001354898.2); c.5090C>T, p.Ala1697Val (NM_001354899.2); c.5051C>T, p.Ala1684Val (NM_001354900.2); and 12 more; short protein forms A1707V, A1715V, A1735V, A1753V, A1442V, A1565V, A1596V, A1624V.
Identifiers: ClinVar variation 2050061 (VCV002050061.5), dbSNP rs2149933835, ClinGen allele CA16032642.

ClinVar aggregate classification (germline): Uncertain significance. Review status: criteria provided, multiple submitters, no conflicts (2 of 4 stars). 2 submissions from 2 submitters: Uncertain significance (2). Last evaluated 2024-05-16.

Conditions:
Hereditary cancer-predisposing syndrome. Also called: Hereditary neoplastic syndrome; Neoplastic Syndromes, Hereditary; Tumor predisposition; Hereditary Cancer Syndrome. Identifiers: Orphanet 140162, MedGen C0027672, MeSH D009386, MONDO:0015356.
Familial adenomatous polyposis 1 (FAP1). Also called: POLYPOSIS, ADENOMATOUS INTESTINAL; FAMILIAL ADENOMATOUS POLYPOSIS 1, ATTENUATED. Identifiers: MedGen C2713442, MONDO:0021056, OMIM 175100. Disease mechanism: loss of function.

Allele frequency attached by ClinVar (database versions not stated): gnomAD exomes below 0.00001.
gnomAD v4.1: 1 of 1,613,914 alleles (0.000062%); highest among the groups gnomAD compares: South Asian, 0.0011%; no homozygotes.

Submissions (2):

Ambry Genetics
Classification: Uncertain significance for Hereditary cancer-predisposing syndrome. Last evaluated: 2024-05-16. Review status: criteria provided, single submitter. Criteria: Ambry Variant Classification Scheme 2023. Collection method: clinical testing. Allele origin: germline.
Comment: The p.A1725V variant (also known as c.5174C>T), located in coding exon 15 of the APC gene, results from a C to T substitution at nucleotide position 5174. The alanine at codon 1725 is replaced by valine, an amino acid with similar properties. This amino acid position is conserved. In addition, in silico predictors for this gene do not accurately predict pathogenicity. Based on the available evidence, the clinical significance of this variant remains unclear.

Labcorp Genetics (formerly Invitae), Labcorp
Classification: Uncertain significance for Familial adenomatous polyposis 1. Last evaluated: 2022-11-15. Review status: criteria provided, single submitter. Criteria: Invitae Variant Classification Sherloc (09022015). Collection method: clinical testing. Allele origin: germline.
Comment: In summary, the available evidence is currently insufficient to determine the role of this variant in disease. Therefore, it has been classified as a Variant of Uncertain Significance. Advanced modeling of protein sequence and biophysical properties (such as structural, functional, and spatial information, amino acid conservation, physicochemical variation, residue mobility, and thermodynamic stability) performed at Invitae indicates that this missense variant is not expected to disrupt APC protein function. This variant has not been reported in the literature in individuals affected with APC-related conditions. This variant is not present in population databases (gnomAD no frequency). This sequence change replaces alanine, which is neutral and non-polar, with valine, which is neutral and non-polar, at codon 1725 of the APC protein (p.Ala1725Val).